The following is an entry in ClinVar:

ClinVar aggregate classification (germline): Uncertain significance. Review status: criteria provided, multiple submitters, no conflicts (2 of 4 stars). 2 submissions from 2 submitters: Uncertain significance (2). Last evaluated 2026-09-10.

Conditions:
Neurofibromatosis, type 1 (NF1). Also called: VON RECKLINGHAUSEN DISEASE; Peripheral type neurofibromatosis; NEUROFIBROMATOSIS, TYPE I, SOMATIC; Neurofibromatosis, type I. Identifiers: Orphanet 636, MedGen C0027831, MONDO:0018975, OMIM 162200. Disease mechanism: loss of function.
Cardiovascular phenotype. Identifiers: MedGen CN230736.
Hereditary cancer-predisposing syndrome. Also called: Hereditary Cancer Syndrome; Hereditary neoplastic syndrome; Neoplastic Syndromes, Hereditary; Tumor predisposition. Identifiers: Orphanet 140162, MedGen C0027672, MeSH D009386, MONDO:0015356.

Submissions (2):

Ambry Genetics
Classification: Uncertain significance for Cardiovascular phenotype; Hereditary cancer-predisposing syndrome. Last evaluated: 2026-09-10. Review status: criteria provided, single submitter. Criteria: Ambry Variant Classification Scheme 2023. Collection method: clinical testing. Allele origin: germline.
Comment: The p.R2162W variant (also known as c.6484C>T), located in coding exon 42 of the NF1 gene, results from a C to T substitution at nucleotide position 6484. The arginine at codon 2162 is replaced by tryptophan, an amino acid with dissimilar properties. This amino acid position is highly conserved in available vertebrate species. In addition, the in silico prediction for this alteration is inconclusive. Based on the available evidence, the clinical significance of this variant remains unclear.

Labcorp Genetics (formerly Invitae), Labcorp
Classification: Uncertain significance for Neurofibromatosis, type 1. Last evaluated: 2025-02-19. Review status: criteria provided, single submitter. Criteria: Invitae Variant Classification Sherloc (09022015). Collection method: clinical testing. Allele origin: germline.
Comment: This sequence change replaces arginine, which is basic and polar, with tryptophan, which is neutral and slightly polar, at codon 2162 of the NF1 protein (p.Arg2162Trp). This variant is not present in population databases (gnomAD no frequency). This variant has not been reported in the literature in individuals affected with NF1-related conditions. Invitae Evidence Modeling of protein sequence and biophysical properties (such as structural, functional, and spatial information, amino acid conservation, physicochemical variation, residue mobility, and thermodynamic stability) indicates that this missense variant is expected to disrupt NF1 protein function with a positive predictive value of 95%. In summary, the available evidence is currently insufficient to determine the role of this variant in disease. Therefore, it has been classified as a Variant of Uncertain Significance.

NM_001042492.3(NF1):c.6547C>T (p.Arg2183Trp)

Gene: NF1 (neurofibromin 1; plus strand). Cytogenetic location: 17q11.2.
Variant type: single nucleotide variant.
Coding change: c.6547C>T on transcript NM_001042492.3 (MANE Select); coding-DNA position 6547, C replaced by T.
Protein change: p.Arg2183Trp; replaces arginine 2183 with tryptophan.
Molecular consequence: missense variant.
Genome position (GRCh38, 1-based): chr17:31,337,487, C>T. VCF-style: chr17-31337487-C-T. GRCh37 (hg19) VCF-style: chr17-29664505-C-T.
Other names: c.6484C>T, p.Arg2162Trp (NM_000267.4); short protein forms R2162W, R2183W.
Identifiers: ClinVar variation 4800794 (VCV004800794.2).